The following is an entry in ClinVar:

ClinVar aggregate classification (germline): Likely benign. Review status: criteria provided, multiple submitters, no conflicts (2 of 4 stars). 2 submissions from 2 submitters: Likely benign (2). Last evaluated 2026-04-01.

gnomAD v4.1: 4 of 1,612,864 alleles (0.00025%); highest among the groups gnomAD compares: Admixed American, 0.0067%; no homozygotes.

Submissions (2):

CeGaT Center for Human Genetics Tuebingen
Classification: Likely benign. Last evaluated: 2026-04-01. Review status: criteria provided, single submitter. Criteria: CeGaT Center For Human Genetics Tuebingen Variant Classification Criteria Version 2. Collection method: clinical testing. Allele origin: germline. Affected: yes. Observed: 1 variant allele.
Comment: FAT4: BP4, BP7

Labcorp Genetics (formerly Invitae), Labcorp
Classification: Likely benign. Last evaluated: 2025-02-11. Review status: criteria provided, single submitter. Criteria: Invitae Variant Classification Sherloc (09022015). Collection method: clinical testing. Allele origin: germline.

NM_001291303.3(FAT4):c.6846G>A (p.Val2282=)

Gene: FAT4 (FAT atypical cadherin 4; plus strand). Cytogenetic location: 4q28.1.
Variant type: single nucleotide variant.
Coding change: c.6846G>A on transcript NM_001291303.3 (MANE Select); coding-DNA position 6846, G replaced by A.
Protein change: p.Val2282=; no amino-acid change (valine 2282 retained).
Molecular consequence: synonymous variant.
Genome position (GRCh38, 1-based): chr4:125,416,450, G>A. VCF-style: chr4-125416450-G-A. GRCh37 (hg19) VCF-style: chr4-126337605-G-A.
Other names: c.6846G>A, p.Val2282= (NM_001291285.3, NM_024582.6).
Identifiers: ClinVar variation 3620430 (VCV003620430.4).
Genomic context (GRCh38, chr4:125,416,450, plus strand): 5'-TTATTTCATGAGATGCATTGTTTGTTTTACTCACATCTTGGTATGTACTGTTCTACAGGT[G>A]GTGGCAAGAGATGATGATCGAGGATCTAACAGCAAACTCTCATATGTTCTGTTTGGTGGT-3'
Protein context (NP_001278232.1, residues 2272-2292): LGTLPRTILQ[Val2282=]VARDDDRGSN